The following is an entry in ClinVar:

NM_000493.4(COL10A1):c.1528_1539delinsAGG (p.Pro510_Pro513delinsArg)

Genes: COL10A1 (collagen type X alpha 1 chain; minus strand), NT5DC1 (5'-nucleotidase domain containing 1; plus strand). Cytogenetic location: 6q22.1.
Variant type: Indel.
Coding change: c.1528_1539delinsAGG on transcript NM_000493.4 (MANE Select); coding-DNA positions 1528 to 1539, CCTGGGCCTCCA replaced by AGG.
Protein change: p.Pro510_Pro513delinsArg.
Molecular consequence: inframe indel. On other transcripts: intron variant (1).
Genome position (GRCh38, 1-based): chr6:116,120,577-116,120,588, TGGAGGCCCAGG replaced by CCT on the plus strand (CCTGGGCCTCCA replaced by AGG on the coding strand, the reverse complement: COL10A1 is on the minus strand). VCF-style: chr6-116120577-TGGAGGCCCAGG-CCT. GRCh37 (hg19) VCF-style: chr6-116441740-TGGAGGCCCAGG-CCT.
Other names: c.1528_1539delinsAGG, p.Pro510_Pro513delinsArg (NM_001424106.1, NM_001424107.1); c.529+2632_529+2643delinsCCT (NM_152729.3).
Identifiers: ClinVar variation 4278674 (VCV004278674.1).

ClinVar aggregate classification (germline): Uncertain significance (1 of 4 stars; one submission).

Submission:

GeneDx
Classification: Uncertain significance. Last evaluated: 2025-03-31. Review status: criteria provided, single submitter. Criteria: GeneDx Variant Classification Process June 2021. Collection method: clinical testing. Allele origin: germline. Affected: yes.
Comment: Not observed at significant frequency in large population cohorts (gnomAD); In-frame deletion of 4 amino acids and insertion of 1 different amino acid in a non-repeat region; In silico analysis supports a deleterious effect on protein structure/function; Has not been previously published as pathogenic or benign to our knowledge